The following is an entry in ClinVar:

ClinVar aggregate classification (germline): Conflicting classifications of pathogenicity. Review status: criteria provided, conflicting classifications (1 of 4 stars). 3 submissions from 3 submitters: Uncertain significance (1); Likely benign (2). Last evaluated 2024-07-08.

Conditions:
Oligodontia-cancer predisposition syndrome. Also called: TOOTH AGENESIS-COLORECTAL CANCER SYNDROME. Identifiers: Orphanet 300576, MedGen C1837750, MONDO:0012075, OMIM 608615. Disease mechanism: loss of function.

gnomAD v4.1: 1 of 1,612,996 alleles (0.000062%); highest among the groups gnomAD compares: Non-Finnish European, 0.000085%; no homozygotes.

Submissions (3):

Myriad Genetics, Inc.
Classification: Likely benign for Oligodontia-cancer predisposition syndrome. Last evaluated: 2024-07-08. Review status: criteria provided, single submitter. Criteria: Myriad Autosomal Dominant, Autosomal Recessive and X-Linked Classification Criteria (2023). Collection method: clinical testing. Allele origin: unknown.
Comment: This variant is considered likely benign. This variant is intronic and is not expected to impact mRNA splicing.

Quest Diagnostics Nichols Institute San Juan Capistrano
Classification: Uncertain significance. Last evaluated: 2024-05-07. Review status: criteria provided, single submitter. Criteria: Quest Diagnostics criteria. Collection method: clinical testing. Allele origin: unknown.
Comment: The AXIN2 c.1907+8C>A variant has not been reported in individuals with AXIN2-related conditions in the published literature. It also has not been reported in large, multi-ethnic general populations (Genome Aggregation Database). Analysis of this variant using software algorithms for the prediction of the effect of nucleotide changes on splicing yielded predictions that this variant does not affect AXIN2 mRNA splicing. Based on the available information, we are unable to determine the clinical significance of this variant.

Labcorp Genetics (formerly Invitae), Labcorp
Classification: Likely benign for Oligodontia-cancer predisposition syndrome. Last evaluated: 2022-10-04. Review status: criteria provided, single submitter. Criteria: Invitae Variant Classification Sherloc (09022015). Collection method: clinical testing. Allele origin: germline.

NM_004655.4(AXIN2):c.1907+8C>A

Gene: AXIN2 (axin 2; minus strand). Cytogenetic location: 17q24.1.
Variant type: single nucleotide variant.
Coding change: c.1907+8C>A on transcript NM_004655.4 (MANE Select); 8 bases into the intron after coding-DNA position 1907, C replaced by A.
Molecular consequence: intron variant.
Genome position (GRCh38, 1-based): chr17:65,536,861, G>T on the plus strand (C>A on the coding strand, the complement: AXIN2 is on the minus strand). VCF-style: chr17-65536861-G-T. GRCh37 (hg19) VCF-style: chr17-63532979-G-T.
Other names: c.1907+8C>A (NM_004655.3); c.1713-308C>A (NM_001363813.1).
Identifiers: ClinVar variation 1574496 (VCV001574496.10), dbSNP rs778840560, ClinGen allele CA2573154729.
Genomic context (GRCh38, chr17:65,536,861, plus strand): 5'-TTCCCACAATACCTCCGTACTGAGTGCCCATGACCCTCGCGGCCGCGGCGGCGGCAAGCG[G>T]TGTTTACCTATGGGGCTTGGGCTTGCTCTGCCGCTCACTCTCCAGCATCCACTGCCAGAC-3'